The following is an entry in ClinVar:

NM_001370658.1(BTD):c.359G>A (p.Trp120Ter)

Gene: BTD (biotinidase; plus strand). Cytogenetic location: 3p25.1.
Variant type: single nucleotide variant.
Coding change: c.359G>A on transcript NM_001370658.1 (MANE Select); coding-DNA position 359, G replaced by A.
Protein change: p.Trp120Ter; replaces tryptophan 120 with a stop codon.
Molecular consequence: nonsense.
Genome position (GRCh38, 1-based): chr3:15,642,017, G>A. VCF-style: chr3-15642017-G-A. GRCh37 (hg19) VCF-style: chr3-15683524-G-A.
Other names: c.419G>A, p.Trp140Ter (NM_000060.4); c.359G>A, p.Trp120Ter (NM_001281723.4, NM_001281724.3, NM_001281725.3 and 36 more transcripts); c.422G>A, p.Trp141Ter (NM_001407381.1); short protein forms W120*, W140*, W141*.
Identifiers: ClinVar variation 1069218 (VCV001069218.12), dbSNP rs2125486425, ClinGen allele CA351605664.

ClinVar aggregate classification (germline): Pathogenic. Review status: criteria provided, multiple submitters, no conflicts (2 of 4 stars). 3 submissions from 3 submitters: Pathogenic (3). Last evaluated 2024-06-12.

Conditions:
Biotinidase deficiency. Also called: BTD deficiency; Late-onset biotin-responsive multiple carboxylase deficiency; Biotin deficiency. Identifiers: Orphanet 79241, MedGen C0220754, MONDO:0009665, OMIM 253260.

Submissions (3):

Fulgent Genetics
Classification: Pathogenic for Biotinidase deficiency. Last evaluated: 2024-06-12. Review status: criteria provided, single submitter. Criteria: ACMG Guidelines, 2015. Collection method: clinical testing. Allele origin: germline.

Baylor Genetics
Classification: Pathogenic for Biotinidase deficiency. Last evaluated: 2023-03-09. Review status: criteria provided, single submitter. Criteria: ACMG Guidelines, 2015. Collection method: clinical testing. Allele origin: unknown.

Labcorp Genetics (formerly Invitae), Labcorp
Classification: Pathogenic for Biotinidase deficiency. Last evaluated: 2020-01-02. Review status: criteria provided, single submitter. Criteria: Invitae Variant Classification Sherloc (09022015). Collection method: clinical testing. Allele origin: germline.
Comment: This sequence change results in a premature translational stop signal in the BTD gene (p.Trp140*). While this is not anticipated to result in nonsense mediated decay, it is expected to disrupt the last 404 amino acids of the BTD protein. This variant is not present in population databases (ExAC no frequency). This variant has been observed in individuals with a positive newborn screening result for BTD-related disease (PMID: 29353266) This variant disrupts the C-terminus of the BTD protein. Other variant(s) that disrupt this region (p.Leu498Phefs*13) have been determined to be pathogenic (PMID: 17382128, 29359854, 19728141). This suggests that variants that disrupt this region of the protein are likely to be causative of disease. For these reasons, this variant has been classified as Pathogenic.

Literature cited by the submitters: PubMed 29353266 (cited by Labcorp Genetics (formerly Invitae), Labcorp); PubMed 17382128 (cited by Labcorp Genetics (formerly Invitae), Labcorp); PubMed 29359854 (cited by Labcorp Genetics (formerly Invitae), Labcorp); PubMed 19728141 (cited by Labcorp Genetics (formerly Invitae), Labcorp).